The following is an entry in ClinVar:

NM_019032.6(ADAMTSL4):c.1825C>T (p.Pro609Ser)

Genes: ADAMTSL4 (ADAMTS like 4; plus strand), ADAMTSL4-AS2 (ADAMTSL4 antisense RNA 2; minus strand). Cytogenetic location: 1q21.2.
Variant type: single nucleotide variant.
Coding change: c.1825C>T on transcript NM_019032.6 (MANE Select); coding-DNA position 1825, C replaced by T.
Protein change: p.Pro609Ser; replaces proline 609 with serine.
Molecular consequence: missense variant. On other transcripts: intron variant (1).
Genome position (GRCh38, 1-based): chr1:150,557,014, C>T. VCF-style: chr1-150557014-C-T. GRCh37 (hg19) VCF-style: chr1-150529490-C-T.
Other names: c.1894C>T, p.Pro632Ser (NM_001288608.2); c.1825C>T, p.Pro609Ser (NM_001378596.1, NM_025008.5); c.1856+38C>T (NM_001288607.2); short protein forms P632S, P609S.
Identifiers: ClinVar variation 1937151 (VCV001937151.5), dbSNP rs766204338, ClinGen allele CA1078409.

ClinVar aggregate classification (germline): Uncertain significance (1 of 4 stars; one submission).

Allele frequency attached by ClinVar (database versions not stated): ExAC 0.00001.
gnomAD v4.1: 1 of 1,614,048 alleles (0.000062%); highest among the groups gnomAD compares: Non-Finnish European, 0.000085%; no homozygotes.

Submission:

Labcorp Genetics (formerly Invitae), Labcorp
Classification: Uncertain significance. Last evaluated: 2022-02-18. Review status: criteria provided, single submitter. Criteria: Invitae Variant Classification Sherloc (09022015). Collection method: clinical testing. Allele origin: germline.
Comment: This variant is not present in population databases (gnomAD no frequency). In summary, the available evidence is currently insufficient to determine the role of this variant in disease. Therefore, it has been classified as a Variant of Uncertain Significance. Algorithms developed to predict the effect of missense changes on protein structure and function are either unavailable or do not agree on the potential impact of this missense change (SIFT: "Tolerated"; PolyPhen-2: "Possibly Damaging"; Align-GVGD: "Class C15"). This variant has not been reported in the literature in individuals affected with ADAMTSL4-related conditions. This sequence change replaces proline, which is neutral and non-polar, with serine, which is neutral and polar, at codon 609 of the ADAMTSL4 protein (p.Pro609Ser).